The following is an entry in ClinVar:

ClinVar aggregate classification (germline): Uncertain significance. Review status: criteria provided, multiple submitters, no conflicts (2 of 4 stars). 2 submissions from 2 submitters: Uncertain significance (2). Last evaluated 2025-08-30.

Conditions:
Inborn genetic diseases. Identifiers: MedGen C0950123, MeSH D030342.

Allele frequency attached by ClinVar (database versions not stated): ExAC 0.00008; TOPMed 0.00002; gnomAD 0.00004.
gnomAD v4.1: 42 of 1,612,992 alleles (0.0026%); highest among the groups gnomAD compares: East Asian, 0.027%; no homozygotes.

Submissions (2):

Labcorp Genetics (formerly Invitae), Labcorp
Classification: Uncertain significance. Last evaluated: 2025-08-30. Review status: criteria provided, single submitter. Criteria: Invitae Variant Classification Sherloc (09022015). Collection method: clinical testing. Allele origin: germline.
Comment: This sequence change replaces arginine, which is basic and polar, with cysteine, which is neutral and slightly polar, at codon 686 of the ADAMTSL4 protein (p.Arg686Cys). This variant is present in population databases (rs774388538, gnomAD 0.04%). This variant has not been reported in the literature in individuals affected with ADAMTSL4-related conditions. ClinVar contains an entry for this variant (Variation ID: 1920288). Invitae Evidence Modeling of protein sequence and biophysical properties (such as structural, functional, and spatial information, amino acid conservation, physicochemical variation, residue mobility, and thermodynamic stability) indicates that this missense variant is not expected to disrupt ADAMTSL4 protein function with a negative predictive value of 80%. In summary, the available evidence is currently insufficient to determine the role of this variant in disease. Therefore, it has been classified as a Variant of Uncertain Significance.

Ambry Genetics
Classification: Uncertain significance for Inborn genetic diseases. Last evaluated: 2024-08-19. Review status: criteria provided, single submitter. Criteria: Ambry Variant Classification Scheme 2023. Collection method: clinical testing. Allele origin: germline.

NM_019032.6(ADAMTSL4):c.2056C>T (p.Arg686Cys)

Genes: ADAMTSL4 (ADAMTS like 4; plus strand), ADAMTSL4-AS2 (ADAMTSL4 antisense RNA 2; minus strand). Cytogenetic location: 1q21.2.
Variant type: single nucleotide variant.
Coding change: c.2056C>T on transcript NM_019032.6 (MANE Select); coding-DNA position 2056, C replaced by T.
Protein change: p.Arg686Cys; replaces arginine 686 with cysteine.
Molecular consequence: missense variant.
Genome position (GRCh38, 1-based): chr1:150,557,502, C>T. VCF-style: chr1-150557502-C-T. GRCh37 (hg19) VCF-style: chr1-150529978-C-T.
Other names: c.1939C>T, p.Arg647Cys (NM_001288607.2); c.2125C>T, p.Arg709Cys (NM_001288608.2); c.2056C>T, p.Arg686Cys (NM_001378596.1, NM_025008.5); c.2056C>T (NM_019032.4); short protein forms R647C, R686C, R709C.
Identifiers: ClinVar variation 1920288 (VCV001920288.4), dbSNP rs774388538, ClinGen allele CA1078519.
Genomic context (GRCh38, chr1:150,557,502, plus strand): 5'-TGAGCTTGGGCTCTAGCCTCCTGCCTCCCTGGCTGCCTTCTCACCCACTCAGGTGTCTGG[C>T]GCCCCATTTTCCTCTGCATCTCCCGTGAGTCGGGAGAGGAACTGGATGAACGCAGCTGTG-3'
Protein context (NP_061905.2, residues 676-696): CSASCGKGVW[Arg686Cys]PIFLCISRES